The following is an entry in ClinVar:

ClinVar aggregate classification (germline): Uncertain significance. Review status: criteria provided, multiple submitters, no conflicts (2 of 4 stars). 2 submissions from 2 submitters: Uncertain significance (2). Last evaluated 2023-09-25.

Conditions:
Inborn genetic diseases. Identifiers: MedGen C0950123, MeSH D030342.

Allele frequency attached by ClinVar (database versions not stated): gnomAD 0.00003; ExAC 0.00004; gnomAD exomes 0.00004 and 0.00007; TOPMed 0.00005; ESP Exome Variant Server 0.00015.
gnomAD v4.1: 102 of 1,611,878 alleles (0.0063%); highest among the groups gnomAD compares: Admixed American, 0.0084%; no homozygotes.

Submissions (2):

Labcorp Genetics (formerly Invitae), Labcorp
Classification: Uncertain significance. Last evaluated: 2023-09-25. Review status: criteria provided, single submitter. Criteria: Invitae Variant Classification Sherloc (09022015). Collection method: clinical testing. Allele origin: germline.
Comment: This sequence change replaces isoleucine, which is neutral and non-polar, with methionine, which is neutral and non-polar, at codon 527 of the XPR1 protein (p.Ile527Met). In summary, the available evidence is currently insufficient to determine the role of this variant in disease. Therefore, it has been classified as a Variant of Uncertain Significance. Advanced modeling of protein sequence and biophysical properties (such as structural, functional, and spatial information, amino acid conservation, physicochemical variation, residue mobility, and thermodynamic stability) performed at Invitae indicates that this missense variant is not expected to disrupt XPR1 protein function. ClinVar contains an entry for this variant (Variation ID: 1492517). This variant has not been reported in the literature in individuals affected with XPR1-related conditions. This variant is present in population databases (rs146785566, gnomAD 0.007%).

Ambry Genetics
Classification: Uncertain significance for Inborn genetic diseases. Last evaluated: 2022-12-23. Review status: criteria provided, single submitter. Criteria: Ambry Variant Classification Scheme 2023. Collection method: clinical testing. Allele origin: germline.

NM_004736.4(XPR1):c.1581C>G (p.Ile527Met)

Gene: XPR1 (xenotropic and polytropic retrovirus receptor 1; plus strand). Cytogenetic location: 1q25.3.
Variant type: single nucleotide variant.
Coding change: c.1581C>G on transcript NM_004736.4 (MANE Select); coding-DNA position 1581, C replaced by G.
Protein change: p.Ile527Met; replaces isoleucine 527 with methionine.
Molecular consequence: missense variant. On other transcripts: non-coding transcript variant (1).
Genome position (GRCh38, 1-based): chr1:180,863,787, C>G. VCF-style: chr1-180863787-C-G. GRCh37 (hg19) VCF-style: chr1-180832923-C-G.
Other names: c.1386C>G, p.Ile462Met (NM_001135669.2); c.1581C>G (NM_004736.3); short protein forms I462M, I527M.
Identifiers: ClinVar variation 1492517 (VCV001492517.6), dbSNP rs146785566, ClinGen allele CA1272798.
Genomic context (GRCh38, chr1:180,863,787, plus strand): 5'-TATGGTGTTCTTTTACCTGTGGATTGTCTTTTATATCATCAGTTCCTGCTATACCCTCAT[C>G]TGGGATCTCAAGATGGACTGGGGTCTCTTCGATAAGAATGCTGGAGAGAACACTTTCCTC-3'
Protein context (NP_004727.2, residues 517-537): FYIISSCYTL[Ile527Met]WDLKMDWGLF